The following is an entry in ClinVar:

ClinVar aggregate classification (germline): Likely pathogenic (1 of 4 stars; one submission).

Conditions:
Cohen syndrome (COH1). Also called: PEPPER SYNDROME; Cutis verticis gyrata, retinitis pigmentosa, and sensorineural deafness. Identifiers: Orphanet 193, MedGen C0265223, MONDO:0008999, OMIM 216550.

Submission:

Labcorp Genetics (formerly Invitae), Labcorp
Classification: Likely pathogenic for Cohen syndrome. Last evaluated: 2023-12-17. Review status: criteria provided, single submitter. Criteria: Invitae Variant Classification Sherloc (09022015). Collection method: clinical testing. Allele origin: germline.
Comment: This variant results in the deletion of part of exon 40 (c.7126-858_7278del) of the VPS13B gene. It is expected to disrupt RNA splicing. Variants that disrupt the donor or acceptor splice site typically lead to a loss of protein function (PMID: 16199547), and loss-of-function variants in VPS13B are known to be pathogenic (PMID: 15141358, 16648375, 20461111). This variant has not been reported in the literature in individuals affected with VPS13B-related conditions. In summary, the currently available evidence indicates that the variant is pathogenic, but additional data are needed to prove that conclusively. Therefore, this variant has been classified as Likely Pathogenic.

Literature cited by the submitters: PubMed 16199547; PubMed 15141358; PubMed 16648375; PubMed 20461111.

NC_000008.10:g.(?_100778144)_(100779154_?)del

Gene: VPS13B (vacuolar protein sorting 13 homolog B; plus strand). Cytogenetic location: 8q22.2.
Variant type: Deletion.
Identifiers: ClinVar variation 1521864 (VCV001521864.5).